The following is an entry in ClinVar:

GRCh37/hg19 15q11.2(chr15:22695842-23300942)x1

Genes: CYFIP1 (cytoplasmic FMR1 interacting protein 1; minus strand), GOLGA6L1 (golgin A6 family like 1; minus strand), NIPA1 (NIPA magnesium transporter 1; plus strand), NIPA2 (NIPA magnesium transporter 2; plus strand), TUBGCP5 (tubulin gamma complex associated protein 5; minus strand). Cytogenetic location: 15q11.2.
Variant type: copy number loss.
Change: copy number 1 (one copy instead of two) of chr15:22,695,842-23,300,942 (605.1 kb, GRCh37 coordinates, 1-based), cytogenetic band 15q11.2.
Identifiers: ClinVar variation 988924 (VCV000988924.4).

ClinVar aggregate classification (germline): Pathogenic (1 of 4 stars; one submission).

Submission:

Illumina Laboratory Services, Illumina
Classification: Pathogenic. Last evaluated: 2019-04-19. Review status: criteria provided, single submitter. Criteria: ICSL CNVClassificationCriteria Aug2020. Collection method: clinical testing. Allele origin: unknown.
Comment: This CNV is a 605 kb deletion of 15q11.2, on chromosome 15, (seq[GRCH37]del(15)(q11.2); chr15:g.22695842-23300942), and is inherited. This CNV constitutes a loss encompassing 14 genes, including TUBGCP5, NIPA1, NIPA2 and CYFIP1, four highly conserved genes known to escape imprinting, and overlaps the well-described 15q11.2 microdeletion syndrome. Similar CNVs have been observed in controls, with the 15q11.2 deletion reported in up to 0.25% of control cohorts. The penetrance of the 15q11.2 deletion is reduced and estimated at 10.4% (Cox and Butler 2015; Vanlerberghe et al. 2015). The 15q11.2 microdeletion syndrome is well-described and has been reported in many cases in the literature. The syndrome is a result of a deletion positioned between the known breakpoints, BP1 and BP2 on 15q (Cox and Butler 2015; Vanlerberghe et al. 2015). The 15q11.2 microdeletion syndrome is inherited in an autosomal dominant pattern, often from an unaffected or mildly affected parent and is associated with a wide range of phenotypes and expressivity (de Kovel et al. 2010; von der Lippe et al. 2011). Common features of the syndrome include developmental delay, intellectual disability, speech and language delay, and behavior abnormalities including autism spectrum disorder (Cox and Butler 2015). Additional features in some patients include microcephaly, heart defects, visual impairment, anxiety, failure to thrive, slender fingers, and dysmorphic facial features including ear and nose abnormalities, a high arched palate and micrognathia (Dornboos et al. 2009; Cox and Butler 2015; Vanlerberghe et al. 2015). Based on the collective evidence, this CNV is described as pathogenic.

Literature cited by the submitters: PubMed 19328872; PubMed 19843651; PubMed 21187176; PubMed 25596525; PubMed 25689425.